The following is an entry in ClinVar:

ClinVar aggregate classification (germline): Benign/Likely benign. Review status: criteria provided, multiple submitters, no conflicts (2 of 4 stars). 8 submissions from 8 submitters: Benign (1); Likely benign (6). 1 of the submissions does not count toward it. Last evaluated 2025-12-20.

Conditions:
RYR2-related disorder. Also called: RYR2-related condition.
Cardiovascular phenotype. Identifiers: MedGen CN230736.
Catecholaminergic polymorphic ventricular tachycardia (CVPT). Also called: Catecholamine-induced polymorphic ventricular tachycardia. Identifiers: Orphanet 3286, MedGen C5574922, MONDO:0017990.
Cardiomyopathy (CMYO). Also called: Cardiomyopathies. Identifiers: Orphanet 167848, MedGen C0878544, MONDO:0004994, HP:0001638. Inheritance: Various modes of inheritance.
Catecholaminergic polymorphic ventricular tachycardia 1. Also called: VENTRICULAR TACHYCARDIA, CATECHOLAMINERGIC POLYMORPHIC, 1, WITH OR WITHOUT ATRIAL DYSFUNCTION AND/OR DILATED CARDIOMYOPATHY; VENTRICULAR TACHYCARDIA, STRESS-INDUCED POLYMORPHIC 1; RYR2-Related Catecholaminergic Polymorphic Ventricular Tachycardia. Identifiers: Orphanet 3286, MedGen C1631597, MONDO:0011484, OMIM 604772.

Allele frequency attached by ClinVar (database versions not stated): gnomAD 0.00001; gnomAD exomes 0.00002 and 0.00005; ExAC 0.00003; TOPMed 0.00003.
gnomAD v4.1: 41 of 1,613,738 alleles (0.0025%); highest among the groups gnomAD compares: Non-Finnish European, 0.00042%; no homozygotes.

Submissions (8):

Labcorp Genetics (formerly Invitae), Labcorp
Classification: Benign for Catecholaminergic polymorphic ventricular tachycardia 1. Last evaluated: 2025-12-20. Review status: criteria provided, single submitter. Criteria: Invitae Variant Classification Sherloc (09022015). Collection method: clinical testing. Allele origin: germline.

Ambry Genetics
Classification: Likely benign for Cardiovascular phenotype. Last evaluated: 2025-07-03. Review status: criteria provided, single submitter. Criteria: Ambry Variant Classification Scheme 2023. Collection method: clinical testing. Allele origin: germline.

CeGaT Center for Human Genetics Tuebingen
Classification: Likely benign. Last evaluated: 2024-04-01. Review status: criteria provided, single submitter. Criteria: CeGaT Center For Human Genetics Tuebingen Variant Classification Criteria Version 2. Collection method: clinical testing. Allele origin: germline. Affected: yes. Observed: 3 variant alleles.
Comment: RYR2: BP4, BP7

All of Us Research Program, National Institutes of Health
Classification: Likely benign for Catecholaminergic polymorphic ventricular tachycardia. Last evaluated: 2023-12-18. Review status: criteria provided, single submitter. Criteria: ACMG Guidelines, 2015. Collection method: clinical testing. Allele origin: germline. Inheritance: Autosomal dominant inheritance. Observed: 17 variant alleles, 17 heterozygotes.
Comment: This study involves interpretation of variants in research participants for the purpose of population health screening. Participant phenotype was not available at the time of variant classification. Additional details can be found in publication PMID: 35346344, PMCID: PMC8962531

Blueprint Genetics
Classification: Likely benign. Last evaluated: 2023-01-27. Review status: criteria provided, single submitter. Criteria: ACMG Guidelines, 2015. Collection method: clinical testing. Allele origin: germline.

Color Diagnostics, LLC DBA Color Health
Classification: Likely benign for Cardiomyopathy. Last evaluated: 2018-03-23. Review status: criteria provided, single submitter. Criteria: ACMG Guidelines, 2015. Collection method: clinical testing. Allele origin: germline.

Laboratory for Molecular Medicine, Mass General Brigham Personalized Medicine
Classification: Likely benign. Last evaluated: 2014-11-13. Review status: criteria provided, single submitter. Criteria: LMM Criteria. Collection method: clinical testing. Allele origin: germline. Observed: 1 variant allele.
Comment: p.Ser359Ser in exon 13 of RYR2: This variant is not expected to have clinical si gnificance because it does not alter an amino acid residue and is not located wi thin the splice consensus sequence.

PreventionGenetics, part of Exact Sciences
Classification: Likely benign for RYR2-related condition. Last evaluated: 2024-07-11. Review status: no assertion criteria provided. Collection method: clinical testing. Allele origin: germline. Not counted in ClinVar's aggregate classification.
Comment: This variant is classified as likely benign based on ACMG/AMP sequence variant interpretation guidelines (Richards et al. 2015 PMID: 25741868, with internal and published modifications).

NM_001035.3(RYR2):c.1077A>G (p.Ser359=)

Gene: RYR2 (ryanodine receptor 2; plus strand). Cytogenetic location: 1q43.
Variant type: single nucleotide variant.
Coding change: c.1077A>G on transcript NM_001035.3 (MANE Select); coding-DNA position 1077, A replaced by G.
Protein change: p.Ser359=; no amino-acid change (serine 359 retained).
Molecular consequence: synonymous variant.
Genome position (GRCh38, 1-based): chr1:237,441,390, A>G. VCF-style: chr1-237441390-A-G. GRCh37 (hg19) VCF-style: chr1-237604690-A-G.
Identifiers: ClinVar variation 180055 (VCV000180055.46), dbSNP rs727505317, ClinGen allele CA006777.